The following is an entry in ClinVar:

ClinVar aggregate classification (germline): Likely benign (1 of 4 stars; one submission).

Submission:

CeGaT Center for Human Genetics Tuebingen
Classification: Likely benign. Last evaluated: 2025-01-01. Review status: criteria provided, single submitter. Criteria: CeGaT Center For Human Genetics Tuebingen Variant Classification Criteria Version 2. Collection method: clinical testing. Allele origin: germline. Affected: yes. Observed: 1 variant allele.
Comment: MUC22: BP4, BP7

NM_001395414.1(MUC22):c.1470A>C (p.Ser490=)

Gene: MUC22 (mucin 22; plus strand). Cytogenetic location: 6p21.33.
Variant type: single nucleotide variant.
Coding change: c.1470A>C on transcript NM_001395414.1 (MANE Select); coding-DNA position 1470, A replaced by C.
Protein change: p.Ser490=; no amino-acid change (serine 490 retained).
Molecular consequence: synonymous variant.
Genome position (GRCh38, 1-based): chr6:31,026,901, A>C. VCF-style: chr6-31026901-A-C. GRCh37 (hg19) VCF-style: chr6-30994678-A-C.
Other names: c.1470A>C, p.Ser490= (NM_001198815.1); c.1479A>C, p.Ser493= (NM_001318484.1).
Identifiers: ClinVar variation 3771041 (VCV003771041.13).
Genomic context (GRCh38, chr6:31,026,901, plus strand): 5'-TACTGCACATTCTGAGACGACTGCAGCCTCCACCATGGGCTCTGAGACCACCAAAGTCTC[A>C]ACTGCAGGCTCTGAGACCACAGTCTCCACTGCAGGCTCTGAGACCACTGCAGCCTCTACT-3'
Protein context (NP_001382343.1, residues 480-500): STMGSETTKV[Ser490=]TAGSETTVST